The following is an entry in ClinVar:

NM_000064.4(C3):c.1810G>A (p.Val604Met)

Gene: C3 (complement C3; minus strand). Cytogenetic location: 19p13.3.
Variant type: single nucleotide variant.
Coding change: c.1810G>A on transcript NM_000064.4 (MANE Select); coding-DNA position 1810, G replaced by A.
Protein change: p.Val604Met; replaces valine 604 with methionine.
Molecular consequence: missense variant.
Genome position (GRCh38, 1-based): chr19:6,709,719, C>T on the plus strand (G>A on the coding strand, the complement: C3 is on the minus strand). VCF-style: chr19-6709719-C-T. GRCh37 (hg19) VCF-style: chr19-6709730-C-T.
Other names: short protein forms V604M.
Identifiers: ClinVar variation 2880498 (VCV002880498.3), dbSNP rs768150354, ClinGen allele CA9129329.

ClinVar aggregate classification (germline): Uncertain significance (1 of 4 stars; one submission).

Allele frequency attached by ClinVar (database versions not stated): gnomAD exomes 0.00002; ExAC 0.00003.
gnomAD v4.1: 24 of 1,613,688 alleles (0.0015%); highest among the groups gnomAD compares: South Asian, 0.018%; no homozygotes.

Submission:

Labcorp Genetics (formerly Invitae), Labcorp
Classification: Uncertain significance. Last evaluated: 2023-05-20. Review status: criteria provided, single submitter. Criteria: Invitae Variant Classification Sherloc (09022015). Collection method: clinical testing. Allele origin: germline.
Comment: This sequence change replaces valine, which is neutral and non-polar, with methionine, which is neutral and non-polar, at codon 604 of the C3 protein (p.Val604Met). This variant has not been reported in the literature in individuals affected with C3-related conditions. This variant is present in population databases (rs768150354, gnomAD 0.03%). Advanced modeling of protein sequence and biophysical properties (such as structural, functional, and spatial information, amino acid conservation, physicochemical variation, residue mobility, and thermodynamic stability) performed at Invitae indicates that this missense variant is expected to disrupt C3 protein function. In summary, the available evidence is currently insufficient to determine the role of this variant in disease. Therefore, it has been classified as a Variant of Uncertain Significance.